The following is an entry in ClinVar:

ClinVar aggregate classification (germline): Pathogenic. Review status: criteria provided, multiple submitters, no conflicts (2 of 4 stars). 38 submissions from 38 submitters: Pathogenic (33). 5 of the submissions do not count toward it. Last evaluated 2026-05-14.
ClinVar aggregate classification (somatic clinical impact): Tier II - Potential (1 of 4 stars; one submission).
ClinVar aggregate classification (oncogenicity): Likely oncogenic (1 of 4 stars; one submission).

Conditions:
Neurofibromatosis, type 1 (NF1). Also called: NEUROFIBROMATOSIS, TYPE I, SOMATIC; Neurofibromatosis, type I; VON RECKLINGHAUSEN DISEASE; Peripheral type neurofibromatosis. Identifiers: Orphanet 636, MedGen C0027831, MONDO:0018975, OMIM 162200. Disease mechanism: loss of function.
Tibial pseudarthrosis. Identifiers: MedGen C4024216, HP:0009736.
Autosomal dominant NF1-related disorders.
NF1-related disorder. Also called: NF1-related condition. Identifiers: MedGen CN379171.
Rhabdomyosarcoma. Also called: Rhabdomyosarcoma (disease). Identifiers: Orphanet 780, MedGen C0035412, MeSH D012208, MONDO:0005212, HP:0002859.
Hereditary cancer-predisposing syndrome. Also called: Tumor predisposition; Neoplastic Syndromes, Hereditary; Hereditary neoplastic syndrome; Hereditary Cancer Syndrome. Identifiers: Orphanet 140162, MedGen C0027672, MeSH D009386, MONDO:0015356.
Juvenile myelomonocytic leukemia (JMML). Also called: LEUKEMIA, JUVENILE MYELOMONOCYTIC, SOMATIC. Identifiers: Orphanet 86834, MedGen C0349639, MONDO:0011908, OMIM 607785, HP:0012209.
Neurofibromatosis-Noonan syndrome (NFNS). Also called: NEUROFIBROMATOSIS WITH NOONAN PHENOTYPE. Identifiers: Orphanet 638, MedGen C2931482, MONDO:0011035, OMIM 601321. Disease mechanism: loss of function.
Abnormality of the skin. Identifiers: MedGen C5848159, HP:0000951.
Café-au-lait macules with pulmonary stenosis (WTSN). Also called: PULMONIC STENOSIS WITH CAFE-AU-LAIT SPOTS. Identifiers: MedGen C0553586, MONDO:0008672, OMIM 193520.
Neurofibromatosis, familial spinal (FSNF). Identifiers: Orphanet 636, MedGen C1834235, MONDO:0008078, OMIM 162210. Disease mechanism: loss of function.
Meningioma. Also called: Meningioma, somatic. Identifiers: Orphanet 2495, MedGen C0025286, MONDO:0016642, HP:0002858.
Neoplasm. Also called: tumor; Neoplasms; Neoplasm (disease). Identifiers: MedGen C0027651, MeSH D009369, MONDO:0005070, HP:0002664.

Allele frequency attached by ClinVar (database versions not stated): gnomAD 0.00001; ExAC 0.00002; gnomAD exomes 0.00001.
gnomAD v4.1: 4 of 1,611,968 alleles (0.00025%); highest among the groups gnomAD compares: Non-Finnish European, 0.00034%; no homozygotes.

Submissions 1 to 10 of 40:

Center for Genomic Medicine, Rigshospitalet, Copenhagen University Hospital
Classification: Likely oncogenic for Neoplasm. Last evaluated: 2026-10-16. Review status: criteria provided, single submitter. Criteria: ClinGen/CGC/VICC Guidelines for Oncogenicity, 2022. Collection method: clinical testing. Allele origin: somatic. Affected: yes.

Myriad Genetics, Inc.
Classification: Pathogenic for Neurofibromatosis, type 1. Last evaluated: 2026-05-14. Review status: criteria provided, single submitter. Criteria: Myriad Autosomal Dominant, Autosomal Recessive and X-Linked Classification Criteria (2023). Collection method: clinical testing. Allele origin: unknown.
Comment: This variant is considered pathogenic. mRNA analysis has demonstrated abnormal mRNA splicing occurs [PMID: 11258625, 33673681]. This variant has been reported in multiple individuals with clinical features of gene-specific disease [PMID: 11258625, 12807981, 26056819, 23758643, 26740943, 25325900, 38374194].

Department of Genetics, Sultan Qaboos University Hospital
Classification: Pathogenic for Neurofibromatosis, type 1. Last evaluated: 2026-04-01. Review status: criteria provided, single submitter. Criteria: ACMG Guidelines, 2015. Collection method: clinical testing. Allele origin: germline. Affected: yes. Observed: 1 variant allele.
Comment: PM2,PP3_Moderate,PP5_Very_Strong

Labcorp Genetics (formerly Invitae), Labcorp
Classification: Pathogenic for Neurofibromatosis, type 1. Last evaluated: 2026-01-27. Review status: criteria provided, single submitter. Criteria: Invitae Variant Classification Sherloc (09022015). Collection method: clinical testing. Allele origin: germline.
Comment: This sequence change replaces tyrosine, which is neutral and polar, with cysteine, which is neutral and slightly polar, at codon 489 of the NF1 protein (p.Tyr489Cys). RNA analysis indicates that this missense change induces altered splicing and may result in an absent or altered protein product. This variant is present in population databases (rs137854557, gnomAD 0.007%). This missense change has been observed in individuals with neurofibromatosis type 1 (PMID: 10543400, 10607834, 10862084, 11258625, 19076627, 22155606, 22190595). Invitae Evidence Modeling of clinical and family history, age, sex, and reported ancestry of multiple individuals with this NF1 variant has been performed. This variant is expected to be pathogenic with a positive predictive value of at least 99%. This is a validated machine learning model that incorporates the clinical features of 1,785,918 individuals referred to our laboratory for NF1 testing. ClinVar contains an entry for this variant (Variation ID: 354). Invitae Evidence Modeling of protein sequence and biophysical properties (such as structural, functional, and spatial information, amino acid conservation, physicochemical variation, residue mobility, and thermodynamic stability) indicates that this missense variant is not expected to disrupt NF1 protein function with a negative predictive value of 95%. Studies have shown that this missense change results in skipping of 62 nucleotides in exon 13 (referred to as exon 10b in the literature), and produces a non-functional protein and/or introduces a premature termination codon (PMID: 10543400, 10607834, 11258625). For these reasons, this variant has been classified as Pathogenic.

Variantyx, Inc.
Classification: Pathogenic for Autosomal dominant NF1-related disorders. Last evaluated: 2025-05-15. Review status: criteria provided, single submitter. Criteria: Variantyx Assertion Criteria 2022. Collection method: clinical testing. Allele origin: de novo. Inheritance: Autosomal dominant inheritance. Affected: yes.
Comment: This is a nonsynonymous variant in the NF1 gene (OMIM: 613113). Pathogenic variants in this gene have been associated with autosomal dominant NF1-related disorders. Splicing analysis supports that this variant results in aberrant splicing predicted to result in a frameshift and premature protein termination (PMID: 11258625, 26056819). Loss of function is a known mechanism of disease for NF1 in this disorder (PMID: 11258625) (PVS1_Strong). This variant has been identified in an individual affected with NF1 (PMID 26056819), and it has a 0.0003% maximum allele frequency in non-founder control populations. Based on the current evidence, this variant is classified as pathogenic for autosomal dominant NF1-related disorders.

Dasa
Classification: Pathogenic. Last evaluated: 2025-05-01. Review status: criteria provided, single submitter. Criteria: DASA Assertion Criteria. Collection method: clinical testing. Allele origin: germline.
Comment: NM_001042492.3(NF1):c.1466A>G (p.Tyr489Cys) is a missense variant that results in the substitution of tyrosine with cysteine. De novo occurrence has been reported in an individual with related phenotype. Segregation evidence has been reported in affected families. Functional evidence supports a deleterious effect on the gene or gene product (PMID: 11258625; PMID: 10543400; PMID: 22190595; PMID: 22155606; PMID: 31533797). This variant has been recurrently observed in individuals with related phenotype (PMID: 11258625; PMID: 10543400; PMID: 22190595; PMID: 22155606; PMID: 31533797). The variant is present at low frequency in population datasets. Based on the available data, this variant is classified as pathogenic.

Hema, HEMA – Genetic and Molecular Diagnostic Laboratory
Classification: Pathogenic for Neurofibromatosis, type 1. Last evaluated: 2024-12-19. Review status: criteria provided, single submitter. Criteria: HEMA Variant Classification Assertion Criteria. Collection method: clinical testing. Allele origin: germline.
Comment: It is a transition from adenine to guanine that affects the splicing of NF1. PVS1 (RNA): Numerous RNA analyses using different methodologies have shown that the variant causes the loss of the donor splice site of intron 3 and the creation of a cryptic donor site in exon 13, resulting in the deletion of 62 nucleotides and the introduction of a premature stop codon (r.1466_1527del p.(Tyr489ter)) and the subsequent nonsense-mediated decay of the transcript (PMID: 10543400, 10607834, 11258625, 26056819, 27074763, 32471518, 34782607, 34945792). PS4: The variant has been detected in more than 20 individuals with neurofibromatosis type 1 (PMID: 10607834, 10862084, 17426081, 22155606, 22190595, 23668869, 23758643, 28422438, 31533797, 33999308, 34427956, 35885913, 37751797, 38344572). PM6_VeryStrong: The variant has been reported de novo in 4 patients with neurofibromatosis type 1 (PMID: 11258625, 33673681), without confirmation of parentage.

Blueprint Genetics
Classification: Pathogenic for NF1-related disorders. Last evaluated: 2024-09-05. Review status: criteria provided, single submitter. Criteria: ACMG Guidelines, 2015. Collection method: clinical testing. Allele origin: germline. Affected: yes. Observed: 5 variant alleles.

CeGaT Center for Human Genetics Tuebingen
Classification: Pathogenic. Last evaluated: 2024-07-01. Review status: criteria provided, single submitter. Criteria: CeGaT Center For Human Genetics Tuebingen Variant Classification Criteria Version 2. Collection method: clinical testing. Allele origin: germline. Affected: yes. Observed: 1 variant allele.
Comment: NF1: PVS1, PM6, PS4:Moderate, PM2:Supporting, PP4

NHS Central & South Genomic Laboratory Hub
Classification: Pathogenic for Neurofibromatosis type 1. Last evaluated: 2024-07-01. Review status: criteria provided, single submitter. Criteria: ACMG Guidelines, 2015. Collection method: clinical testing. Allele origin: germline. Affected: yes.

NM_001042492.3(NF1):c.1466A>G (p.Tyr489Cys)

Gene: NF1 (neurofibromin 1; plus strand). Cytogenetic location: 17q11.2.
Variant type: single nucleotide variant.
Coding change: c.1466A>G on transcript NM_001042492.3 (MANE Select); coding-DNA position 1466, A replaced by G.
Protein change: p.Tyr489Cys; replaces tyrosine 489 with cysteine.
Molecular consequence: missense variant.
Genome position (GRCh38, 1-based): chr17:31,214,524, A>G. VCF-style: chr17-31214524-A-G. GRCh37 (hg19) VCF-style: chr17-29541542-A-G.
Other names: c.1466A>G, p.Tyr489Cys (NM_000267.4, NM_001128147.3); short protein forms Y489C.
Identifiers: ClinVar variation 354 (VCV000000354.111), dbSNP rs137854557, ClinGen allele CA325499.
Genomic context (GRCh38, chr17:31,214,524, plus strand): 5'-AAGAAAAAGTAACAAGCCTTAAATTTAAAGAAAAACCTACAGACCTGGAGACAAGAAGCT[A>G]TAAGTATCTTCTCTTGTCCATGGTGAAACTAATTCATGCAGATCCAAAGCTCTTGCTTTG-3'
Protein context (NP_001035957.1, residues 479-499): EKPTDLETRS[Tyr489Cys]KYLLLSMVKL